The following is an entry in ClinVar:

ClinVar aggregate classification (germline): Uncertain significance (1 of 4 stars; one submission).

Conditions:
Craniosynostosis syndrome. Also called: Craniosynostosis. Identifiers: Orphanet 1531, MedGen C0010278, MeSH D003398, MONDO:0015469, HP:0001363.

Submission:

Victorian Clinical Genetics Services, Murdoch Childrens Research Institute
Classification: Uncertain significance for Craniosynostosis syndrome. Last evaluated: 2024-10-09. Review status: criteria provided, single submitter. Criteria: ACMG Guidelines, 2015. Collection method: clinical testing. Allele origin: germline. Inheritance: Autosomal dominant inheritance. Affected: yes.
Comment: Based on the classification scheme VCGS_Germline_v1.3.4, this variant is classified as a VUS-3A. Following criteria are met: 0102 - Loss of function is a known mechanism of disease in this gene and is associated with craniosynostosis(MONDO:0015469), PRRX1-related (PMID: 37154149) and agnathia-otocephaly complex (MIM#202650). (I) 0108 - This gene is associated with both recessive and dominant disease. Craniosynostosis is associated with dominant disease (PMID: 37154149). Agnathia-otocephaly has been associated with both recessive and dominant disease; three affected heterozygous individuals have been reported (PMID: 21294718, 22674740, 23444262). Additionally, one homozygous individual has been reported with unaffected carrier parents (PMID: 22211708). (I) 0112 - The condition associated with this gene has incomplete penetrance. For craniosynostosis, affected individuals have been shown to inherit pathogenic variants from an unaffected parent (PMID: 37154149). (I) 0211 - Canonical splice site variant without proven consequence on splicing (no functional evidence available). (SP) 0251 - This variant is heterozygous. (I) 0301 - Variant is absent from gnomAD (both v2 and v3). (SP) 0505 - Abnormal splicing is predicted by in silico tools and affected nucleotide is highly conserved. (SP) 0705 - No comparable splice site variants have previous evidence for pathogenicity. (I) 0807 - This variant has no previous evidence of pathogenicity. (I) 0905 - No published segregation evidence has been identified for this variant. (I) 1007 - No published functional evidence has been identified for this variant. (SP) Legend: (SP) - Supporting pathogenic, (I) - Information, (SB) - Supporting benign

Literature cited by the submitters: PubMed 21294718; PubMed 22211708; PubMed 22674740; PubMed 23444262; PubMed 37154149.

NM_022716.4(PRRX1):c.418-1G>A

Gene: PRRX1 (paired related homeobox 1; plus strand). Cytogenetic location: 1q24.2.
Variant type: single nucleotide variant.
Coding change: c.418-1G>A on transcript NM_022716.4 (MANE Select); the canonical splice acceptor site of the intron before coding-DNA position 418, G replaced by A.
Molecular consequence: splice acceptor variant.
Genome position (GRCh38, 1-based): chr1:170,726,219, G>A. VCF-style: chr1-170726219-G-A. GRCh37 (hg19) VCF-style: chr1-170695360-G-A.
Other names: c.418-1G>A (NM_006902.5).
Identifiers: ClinVar variation 3377004 (VCV003377004.1).